The following is an entry in ClinVar:

NM_033056.4(PCDH15):c.4728_4736dup (p.Val1578_Ser1579insArgSerVal)

Gene: PCDH15 (protocadherin related 15; minus strand). Cytogenetic location: 10q21.1.
Variant type: Duplication.
Coding change: c.4728_4736dup on transcript NM_033056.4 (MANE Plus Clinical); coding-DNA positions 4728 to 4736, 9 bases duplicated (GTCAGTCAG; older notation c.4728_4736dupGTCAGTCAG).
Protein change: p.Val1578_Ser1579insArgSerVal.
Molecular consequence: inframe insertion. On other transcripts: intron variant (8).
Genome position (GRCh38, 1-based): chr10:53,822,990-53,822,998, CTGACTGAC duplicated on the plus strand (GTCAGTCAG on the coding strand, the reverse complement: PCDH15 is on the minus strand). VCF-style (leftmost placement, unchanged base first): chr10-53822989-G-GCTGACTGAC. GRCh37 (hg19) VCF-style: chr10-55582749-G-GCTGACTGAC.
Other names: c.4749_4757dup, p.Val1585_Ser1586insArgSerVal (NM_001142763.2); c.4734_4742dup, p.Val1580_Ser1581insArgSerVal (NM_001142764.2); c.4521_4529dup, p.Val1509_Ser1510insArgSerVal (NM_001142765.2); c.4719_4727dup, p.Val1575_Ser1576insArgSerVal (NM_001142766.2); c.4608_4616dup, p.Val1538_Ser1539insArgSerVal (NM_001142767.2); c.4668_4676dup, p.Val1558_Ser1559insArgSerVal (NM_001142768.2); c.4659_4667dup, p.Val1555_Ser1556insArgSerVal (NM_001142773.2); c.4662_4670dup, p.Val1556_Ser1557insArgSerVal (NM_001354404.2); and 6 more.
Identifiers: ClinVar variation 1041873 (VCV001041873.7), dbSNP rs2076402324, ClinGen allele CA1910740976.

ClinVar aggregate classification (germline): Uncertain significance. Review status: criteria provided, single submitter (1 of 4 stars). 2 submissions from 2 submitters: Uncertain significance (1). 1 of the submissions does not count toward it. Last evaluated 2022-03-22.

Conditions:
Usher syndrome type 1F (USH1F). Also called: USHER SYNDROME, TYPE IF. Identifiers: Orphanet 231169, Orphanet 886, MedGen C1865885, MONDO:0011186, OMIM 602083.

Allele frequency attached by ClinVar (database versions not stated): gnomAD exomes below 0.00001; TOPMed below 0.00001.

Submissions (2):

Labcorp Genetics (formerly Invitae), Labcorp
Classification: Uncertain significance. Last evaluated: 2022-03-22. Review status: criteria provided, single submitter. Criteria: Invitae Variant Classification Sherloc (09022015). Collection method: clinical testing. Allele origin: germline.
Comment: This variant, c.4728_4736dup, results in the insertion of 3 amino acid(s) of the PCDH15 protein (p.Val1578_Ser1579insArgSerVal), but otherwise preserves the integrity of the reading frame. This variant is not present in population databases (gnomAD no frequency). This variant has not been reported in the literature in individuals affected with PCDH15-related conditions. ClinVar contains an entry for this variant (Variation ID: 1041873). Algorithms developed to predict the effect of sequence changes on RNA splicing suggest that this variant may create or strengthen a splice site. In summary, the available evidence is currently insufficient to determine the role of this variant in disease. Therefore, it has been classified as a Variant of Uncertain Significance.

Natera, Inc.
Classification: Uncertain significance for Usher syndrome type 1F. Last evaluated: 2020-10-27. Review status: no assertion criteria provided. Collection method: clinical testing. Allele origin: germline. Not counted in ClinVar's aggregate classification.